The following is an entry in ClinVar:

ClinVar aggregate classification (germline): Uncertain significance. Review status: criteria provided, multiple submitters, no conflicts (2 of 4 stars). 2 submissions from 2 submitters: Uncertain significance (2). Last evaluated 2023-11-09.

Conditions:
Hyperphosphatasia with impaired intellectual development syndrome 2. Also called: Hyperphosphatasia with intellectual disability syndrome 2; GLYCOSYLPHOSPHATIDYLINOSITOL BIOSYNTHESIS DEFECT 6. Identifiers: Orphanet 247262, MedGen C3553637, MONDO:0013882, OMIM 614749.

Allele frequency attached by ClinVar (database versions not stated): TOPMed 0.00002.
gnomAD v4.1: 4 of 1,614,228 alleles (0.00025%); highest among the groups gnomAD compares: African/African-American, 0.0053%; no homozygotes.

Submissions (2):

Women's Health and Genetics/Laboratory Corporation of America, LabCorp
Classification: Uncertain significance. Last evaluated: 2023-11-09. Review status: criteria provided, single submitter. Criteria: LabCorp Variant Classification Summary - May 2015. Collection method: clinical testing. Allele origin: germline.
Comment: Variant summary: PIGO c.1673C>T (p.Ala558Val) results in a non-conservative amino acid change in the encoded protein sequence. Three of five in-silico tools predict a damaging effect of the variant on protein function. The variant allele was found at a frequency of 8e-06 in 251368 control chromosomes (gnomAD). The available data on variant occurrences in the general population are insufficient to allow any conclusion about variant significance. To our knowledge, no occurrence of c.1673C>T in individuals affected with Hyperphosphatasia With Intellectual Disability Syndrome 2 and no experimental evidence demonstrating its impact on protein function have been reported. One submitter has cited a clinical-significance assessment for this variant to ClinVar after 2014 and has classified the variant as uncertain significance. Based on the evidence outlined above, the variant was classified as uncertain significance.

Labcorp Genetics (formerly Invitae), Labcorp
Classification: Uncertain significance for Hyperphosphatasia with impaired intellectual development syndrome 2. Last evaluated: 2019-08-10. Review status: criteria provided, single submitter. Criteria: Invitae Variant Classification Sherloc (09022015). Collection method: clinical testing. Allele origin: germline.
Comment: This sequence change replaces alanine with valine at codon 558 of the PIGO protein (p.Ala558Val). The alanine residue is moderately conserved and there is a small physicochemical difference between alanine and valine. This variant is not present in population databases (ExAC no frequency). This variant has not been reported in the literature in individuals with PIGO-related conditions. Algorithms developed to predict the effect of missense changes on protein structure and function are either unavailable or do not agree on the potential impact of this missense change (SIFT: "Tolerated"; PolyPhen-2: "Probably Damaging"; Align-GVGD: "Class C0"). In summary, the available evidence is currently insufficient to determine the role of this variant in disease. Therefore, it has been classified as a Variant of Uncertain Significance.

NM_032634.4(PIGO):c.1673C>T (p.Ala558Val)

Gene: PIGO (phosphatidylinositol glycan anchor biosynthesis class O; minus strand). Cytogenetic location: 9p13.3.
Variant type: single nucleotide variant.
Coding change: c.1673C>T on transcript NM_032634.4 (MANE Select); coding-DNA position 1673, C replaced by T.
Protein change: p.Ala558Val; replaces alanine 558 with valine.
Molecular consequence: missense variant. On other transcripts: intron variant (2).
Genome position (GRCh38, 1-based): chr9:35,092,214, G>A on the plus strand (C>T on the coding strand, the complement: PIGO is on the minus strand). VCF-style: chr9-35092214-G-A. GRCh37 (hg19) VCF-style: chr9-35092211-G-A.
Other names: c.1344+329C>T (NM_152850.4, NM_001201484.2); short protein forms A558V.
Identifiers: ClinVar variation 949166 (VCV000949166.10), dbSNP rs544432298, ClinGen allele CA192711494.